The following is an entry in ClinVar:

NM_000260.4(MYO7A):c.358del (p.Arg120fs)

Gene: MYO7A (myosin VIIA; plus strand). Cytogenetic location: 11q13.5.
Variant type: Deletion.
Coding change: c.358del on transcript NM_000260.4 (MANE Select); coding-DNA position 358, one base deleted (C; older notation c.358delC).
Protein change: p.Arg120fs; shifts the reading frame from arginine 120.
Molecular consequence: frameshift variant.
Genome position (GRCh38, 1-based): chr11:77,155,979, C deleted; the last of 2 consecutive C bases (chr11:77,155,978-77,155,979); deleting either gives the same sequence. VCF-style (leftmost placement, unchanged base first): chr11-77155977-TC-T. GRCh37 (hg19) VCF-style: chr11-76867023-TC-T.
Other names: c.358del, p.Arg120fs (NM_001127180.2); c.325del, p.Arg109fs (NM_001369365.1); short protein forms R109fs, R120fs.
Identifiers: ClinVar variation 1452740 (VCV001452740.6), dbSNP rs2135227044, ClinGen allele CA2573147714.

ClinVar aggregate classification (germline): Pathogenic (1 of 4 stars; one submission).

Submission:

Labcorp Genetics (formerly Invitae), Labcorp
Classification: Pathogenic. Last evaluated: 2022-02-04. Review status: criteria provided, single submitter. Criteria: Invitae Variant Classification Sherloc (09022015). Collection method: clinical testing. Allele origin: germline.
Comment: For these reasons, this variant has been classified as Pathogenic. This variant has not been reported in the literature in individuals affected with MYO7A-related conditions. This variant is not present in population databases (gnomAD no frequency). This sequence change creates a premature translational stop signal (p.Arg120Alafs*26) in the MYO7A gene. It is expected to result in an absent or disrupted protein product. Loss-of-function variants in MYO7A are known to be pathogenic (PMID: 8900236, 25404053).

Literature cited by the submitters: PubMed 8900236; PubMed 25404053.